The following is an entry in ClinVar:

ClinVar aggregate classification (germline): Uncertain significance. Review status: criteria provided, multiple submitters, no conflicts (2 of 4 stars). 4 submissions from 4 submitters: Uncertain significance (4). Last evaluated 2025-06-13.

Conditions:
DICER1-related tumor predisposition. Also called: DICER1 syndrome; DICER1-related pleuropulmonary blastoma cancer predisposition syndrome. Identifiers: Orphanet 284343, MedGen C3839822, MONDO:0100216.
Hereditary cancer-predisposing syndrome. Also called: Hereditary neoplastic syndrome; Tumor predisposition; Neoplastic Syndromes, Hereditary; Hereditary Cancer Syndrome. Identifiers: Orphanet 140162, MedGen C0027672, MeSH D009386, MONDO:0015356.
DICER1-related disorder. Also called: DICER1-related condition.
Global developmental delay - lung cysts - overgrowth - Wilms tumor syndrome. Also called: GLOBAL DEVELOPMENTAL DELAY, LUNG CYSTS, OVERGROWTH, AND WILMS TUMOR; GLOW Syndrome. Identifiers: Orphanet 404476, MedGen C4748924, MONDO:0018445, OMIM 618272.

Allele frequency attached by ClinVar (database versions not stated): TOPMed below 0.00001; gnomAD 0.00001.
gnomAD v4.1: 1 of 1,613,834 alleles (0.000062%); highest among the groups gnomAD compares: Admixed American, 0.0017%; no homozygotes.

Submissions (4):

Ambry Genetics
Classification: Uncertain significance for Hereditary cancer-predisposing syndrome. Last evaluated: 2025-06-13. Review status: criteria provided, single submitter. Criteria: Ambry Variant Classification Scheme 2023. Collection method: clinical testing. Allele origin: germline.
Comment: The p.T826A variant (also known as c.2476A>G), located in coding exon 15 of the DICER1 gene, results from an A to G substitution at nucleotide position 2476. The threonine at codon 826 is replaced by alanine, an amino acid with similar properties. This amino acid position is highly conserved in available vertebrate species. In addition, this alteration is predicted to be deleterious by in silico analysis. Based on the available evidence, the clinical significance of this variant remains unclear.

Labcorp Genetics (formerly Invitae), Labcorp
Classification: Uncertain significance for DICER1-related tumor predisposition. Last evaluated: 2025-01-05. Review status: criteria provided, single submitter. Criteria: Invitae Variant Classification Sherloc (09022015). Collection method: clinical testing. Allele origin: germline.
Comment: This sequence change replaces threonine, which is neutral and polar, with alanine, which is neutral and non-polar, at codon 826 of the DICER1 protein (p.Thr826Ala). This variant is not present in population databases (gnomAD no frequency). This variant has not been reported in the literature in individuals affected with DICER1-related conditions. ClinVar contains an entry for this variant (Variation ID: 958378). Invitae Evidence Modeling of protein sequence and biophysical properties (such as structural, functional, and spatial information, amino acid conservation, physicochemical variation, residue mobility, and thermodynamic stability) indicates that this missense variant is not expected to disrupt DICER1 protein function with a negative predictive value of 95%. In summary, the available evidence is currently insufficient to determine the role of this variant in disease. Therefore, it has been classified as a Variant of Uncertain Significance.

PreventionGenetics, part of Exact Sciences
Classification: Uncertain significance for DICER1-related condition. Last evaluated: 2023-09-08. Review status: criteria provided, single submitter. Criteria: ACMG Guidelines, 2015. Collection method: clinical testing. Allele origin: germline.
Comment: The DICER1 c.2476A>G variant is predicted to result in the amino acid substitution p.Thr826Ala. To our knowledge, this variant has not been reported in the literature or in a large population database, indicating this variant is rare. This variant occurs in the RNase IIIb domain, which is a hotspot for missense variants associated with DICER1-related neoplasms (Heravi-Moussavi et al. 2012. PubMed ID: 22187960; Foulkes et al. 2014. PubMed ID: 25176334; Chen et al. 2018. PubMed ID: 31893257). It is interpreted as uncertain significance in ClinVar. At this time, the clinical significance of this variant is uncertain due to the absence of conclusive functional and genetic evidence.

Baylor Genetics
Classification: Uncertain significance for Global developmental delay - lung cysts - overgrowth - Wilms tumor syndrome. Last evaluated: 2023-05-11. Review status: criteria provided, single submitter. Criteria: ACMG Guidelines, 2015. Collection method: clinical testing. Allele origin: unknown.

NM_177438.3(DICER1):c.2476A>G (p.Thr826Ala)

Gene: DICER1 (dicer 1, ribonuclease III; minus strand). Cytogenetic location: 14q32.13.
Variant type: single nucleotide variant.
Coding change: c.2476A>G on transcript NM_177438.3 (MANE Select); coding-DNA position 2476, A replaced by G.
Protein change: p.Thr826Ala; replaces threonine 826 with alanine.
Molecular consequence: missense variant.
Genome position (GRCh38, 1-based): chr14:95,108,054, T>C on the plus strand (A>G on the coding strand, the complement: DICER1 is on the minus strand). VCF-style: chr14-95108054-T-C. GRCh37 (hg19) VCF-style: chr14-95574391-T-C.
Other names: c.2476A>G, p.Thr826Ala (NM_001195573.1, NM_001271282.3, NM_001291628.2 and 1 more transcripts); short protein forms T826A.
Identifiers: ClinVar variation 958378 (VCV000958378.12), dbSNP rs1328529319, ClinGen allele CA390881949.